The following is an entry in ClinVar:

ClinVar aggregate classification (germline): Pathogenic/Likely pathogenic. Review status: criteria provided, multiple submitters, no conflicts (2 of 4 stars). 5 submissions from 5 submitters: Pathogenic (3); Likely pathogenic (2). Last evaluated 2025-04-30.

Conditions:
Familial cancer of breast. Also called: Hereditary breast cancer; hereditary breast carcinoma; BREAST CANCER, FAMILIAL. Identifiers: Orphanet 227535, MedGen C0346153, MONDO:0016419, OMIM 114480. Disease mechanism: loss of function.
Fanconi anemia complementation group J. Also called: BRIP1-Related Fanconi Anemia. Identifiers: Orphanet 84, MedGen C1836860, MONDO:0012187, OMIM 609054.
Hereditary cancer-predisposing syndrome. Also called: Neoplastic Syndromes, Hereditary; Hereditary neoplastic syndrome; Hereditary Cancer Syndrome; Tumor predisposition. Identifiers: Orphanet 140162, MedGen C0027672, MeSH D009386, MONDO:0015356.

Submissions (5):

Institute for Genomic Medicine (IGM) Clinical Laboratory, Nationwide Children's Hospital
Classification: Likely pathogenic for Hereditary cancer-predisposing syndrome. Last evaluated: 2025-04-30. Review status: criteria provided, single submitter. Criteria: ACMG Guidelines, 2015. Collection method: clinical testing. Allele origin: germline.
Comment: This variant is predicted to result in loss of function through nonsense-mediated decay of the encoded transcript or premature truncation of the encoded protein in a gene in which loss of function is a known mechanism of disease (ACMG/AMP: PVS1; PMIDs:18628483, 21345144, 29368626). This variant is absent from or present at an exceedingly low frequency in gnomAD, a large-scale control population database (ACMG/AMP: PM2).

Labcorp Genetics (formerly Invitae), Labcorp
Classification: Pathogenic for Familial cancer of breast; Fanconi anemia complementation group J. Last evaluated: 2024-12-18. Review status: criteria provided, single submitter. Criteria: Invitae Variant Classification Sherloc (09022015). Collection method: clinical testing. Allele origin: germline.
Comment: This sequence change creates a premature translational stop signal (p.Trp592Glyfs*3) in the BRIP1 gene. It is expected to result in an absent or disrupted protein product. Loss-of-function variants in BRIP1 are known to be pathogenic (PMID: 16116423, 17033622, 21964575). This variant is not present in population databases (gnomAD no frequency). This variant has not been reported in the literature in individuals affected with BRIP1-related conditions. ClinVar contains an entry for this variant (Variation ID: 1402290). For these reasons, this variant has been classified as Pathogenic.

Myriad Genetics, Inc.
Classification: Pathogenic for Familial cancer of breast. Last evaluated: 2023-06-05. Review status: criteria provided, single submitter. Criteria: Myriad Autosomal Dominant, Autosomal Recessive and X-Linked Classification Criteria (2023). Collection method: clinical testing. Allele origin: unknown.
Comment: This variant is considered pathogenic. This variant creates a frameshift predicted to result in premature protein truncation.

Ambry Genetics
Classification: Pathogenic for Hereditary cancer-predisposing syndrome. Last evaluated: 2023-05-08. Review status: criteria provided, single submitter. Criteria: Ambry Variant Classification Scheme 2023. Collection method: clinical testing. Allele origin: germline.
Comment: The c.1770delC pathogenic mutation, located in coding exon 11 of the BRIP1 gene, results from a deletion of one nucleotide at nucleotide position 1770, causing a translational frameshift with a predicted alternate stop codon (p.W592Gfs*3). This variant is considered to be rare based on population cohorts in the Genome Aggregation Database (gnomAD). This alteration is expected to result in loss of function by premature protein truncation or nonsense-mediated mRNA decay. As such, this alteration is interpreted as a disease-causing mutation.

Baylor Genetics
Classification: Likely pathogenic for Familial cancer of breast. Last evaluated: 2023-01-24. Review status: criteria provided, single submitter. Criteria: ACMG Guidelines, 2015. Collection method: clinical testing. Allele origin: unknown.

Literature cited by the submitters: PubMed 18628483 (cited by Institute for Genomic Medicine (IGM) Clinical Laboratory, Nationwide Children's Hospital); PubMed 21345144 (cited by Institute for Genomic Medicine (IGM) Clinical Laboratory, Nationwide Children's Hospital); PubMed 29368626 (cited by Institute for Genomic Medicine (IGM) Clinical Laboratory, Nationwide Children's Hospital); PubMed 16116423 (cited by Labcorp Genetics (formerly Invitae), Labcorp); PubMed 17033622 (cited by Labcorp Genetics (formerly Invitae), Labcorp); PubMed 21964575 (cited by Labcorp Genetics (formerly Invitae), Labcorp).

NM_032043.3(BRIP1):c.1770del (p.Trp592fs)

Gene: BRIP1 (BRCA1 interacting DNA helicase 1; minus strand). Cytogenetic location: 17q23.2.
Variant type: Deletion.
Coding change: c.1770del on transcript NM_032043.3 (MANE Select); coding-DNA position 1770, one base deleted (C; older notation c.1770delC).
Protein change: p.Trp592fs; shifts the reading frame from tryptophan 592.
Molecular consequence: frameshift variant.
Genome position (GRCh38, 1-based): chr17:61,780,864, G deleted on the plus strand (C on the coding strand, the reverse complement: BRIP1 is on the minus strand). VCF-style (leftmost placement, unchanged base first): chr17-61780863-AG-A. GRCh37 (hg19) VCF-style: chr17-59858224-AG-A.
Other names: c.1770delC (NM_032043.2); short protein forms W592fs.
Identifiers: ClinVar variation 1402290 (VCV001402290.12), dbSNP rs2145091141, ClinGen allele CA2573154337.